The following is an entry in ClinVar:

ClinVar aggregate classification (germline): Uncertain significance. Review status: criteria provided, multiple submitters, no conflicts (2 of 4 stars). 2 submissions from 2 submitters: Uncertain significance (2). Last evaluated 2025-10-07.

Conditions:
Inborn genetic diseases. Identifiers: MedGen C0950123, MeSH D030342.

Allele frequency attached by ClinVar (database versions not stated): gnomAD exomes below 0.00001.
gnomAD v4.1: 2 of 1,613,688 alleles (0.00012%); highest among the groups gnomAD compares: Non-Finnish European, 0.00017%; no homozygotes.

Submissions (2):

Ambry Genetics
Classification: Uncertain significance for Inborn genetic diseases. Last evaluated: 2025-10-07. Review status: criteria provided, single submitter. Criteria: Ambry Variant Classification Scheme 2023. Collection method: clinical testing. Allele origin: germline.

GeneDx
Classification: Uncertain significance. Last evaluated: 2022-10-04. Review status: criteria provided, single submitter. Criteria: GeneDx Variant Classification Process June 2021. Collection method: clinical testing. Allele origin: germline. Affected: yes.
Comment: Not observed at significant frequency in large population cohorts (gnomAD); In silico analysis supports that this missense variant does not alter protein structure/function; Has not been previously published as pathogenic or benign to our knowledge

NM_003922.4(HERC1):c.8350A>G (p.Asn2784Asp)

Gene: HERC1 (HECT and RLD domain containing E3 ubiquitin protein ligase family member 1; minus strand). Cytogenetic location: 15q22.31.
Variant type: single nucleotide variant.
Coding change: c.8350A>G on transcript NM_003922.4 (MANE Select); coding-DNA position 8350, A replaced by G.
Protein change: p.Asn2784Asp; replaces asparagine 2784 with aspartic acid.
Molecular consequence: missense variant.
Genome position (GRCh38, 1-based): chr15:63,666,124, T>C on the plus strand (A>G on the coding strand, the complement: HERC1 is on the minus strand). VCF-style: chr15-63666124-T-C. GRCh37 (hg19) VCF-style: chr15-63958323-T-C.
Other names: short protein forms N2784D.
Identifiers: ClinVar variation 2497797 (VCV002497797.2), dbSNP rs2551286725, ClinGen allele CA392763339.